The following is an entry in ClinVar:

NM_001243925.2(MAPKAPK3):c.776G>A (p.Arg259His)

Gene: MAPKAPK3 (MAPK activated protein kinase 3; plus strand). Cytogenetic location: 3p21.2.
Variant type: single nucleotide variant.
Coding change: c.776G>A on transcript NM_001243925.2 (MANE Select); coding-DNA position 776, G replaced by A.
Protein change: p.Arg259His; replaces arginine 259 with histidine.
Molecular consequence: missense variant.
Genome position (GRCh38, 1-based): chr3:50,646,211, G>A. VCF-style: chr3-50646211-G-A. GRCh37 (hg19) VCF-style: chr3-50683642-G-A.
Other names: c.776G>A, p.Arg259His (NM_001243926.2, NM_004635.5); short protein forms R259H.
Identifiers: ClinVar variation 1044903 (VCV001044903.5), dbSNP rs775712762, ClinGen allele CA2420362.

ClinVar aggregate classification (germline): Uncertain significance (1 of 4 stars; one submission).

Allele frequency attached by ClinVar (database versions not stated): gnomAD exomes below 0.00001 and 0.00001; ExAC 0.00002; TOPMed 0.00002.
gnomAD v4.1: 10 of 1,614,106 alleles (0.00062%); highest among the groups gnomAD compares: East Asian, 0.0022%; no homozygotes.

Submission:

Labcorp Genetics (formerly Invitae), Labcorp
Classification: Uncertain significance. Last evaluated: 2022-08-23. Review status: criteria provided, single submitter. Criteria: Invitae Variant Classification Sherloc (09022015). Collection method: clinical testing. Allele origin: germline.
Comment: ClinVar contains an entry for this variant (Variation ID: 1044903). Algorithms developed to predict the effect of missense changes on protein structure and function (SIFT, PolyPhen-2, Align-GVGD) all suggest that this variant is likely to be disruptive. In summary, the available evidence is currently insufficient to determine the role of this variant in disease. Therefore, it has been classified as a Variant of Uncertain Significance. This variant has not been reported in the literature in individuals affected with MAPKAPK3-related conditions. This variant is present in population databases (rs775712762, gnomAD 0.0009%). This sequence change replaces arginine, which is basic and polar, with histidine, which is basic and polar, at codon 259 of the MAPKAPK3 protein (p.Arg259His).